The following is an entry in ClinVar:

ClinVar aggregate classification (germline): Conflicting classifications of pathogenicity. Review status: criteria provided, conflicting classifications (1 of 4 stars). 9 submissions from 9 submitters: Likely pathogenic (2); Uncertain significance (7). Last evaluated 2025-12-29.

Conditions:
Monogenic diabetes. Identifiers: Orphanet 183625, MedGen C3888631, MONDO:0015967.
Autosomal dominant nonsyndromic hearing loss 6 (LFSNHL). Also called: Autosomal dominant nonsyndromic deafness 6; DEAFNESS, AUTOSOMAL DOMINANT 14; DEAFNESS, AUTOSOMAL DOMINANT 38; DEAFNESS, AUTOSOMAL DOMINANT 6. Identifiers: Orphanet 90635, MedGen C1833021, MONDO:0010963, OMIM 600965.
Cataract 41 (CTRCT41). Also called: CATARACT 41, CONGENITAL NUCLEAR TYPE. Identifiers: Orphanet 91492, Orphanet 98991, Orphanet 98992, Orphanet 98995, MedGen C3805412, MONDO:0007287, OMIM 116400.
Wolfram syndrome 1 (WFS1). Identifiers: Orphanet 3463, MedGen C4551693, MONDO:0009101, OMIM 222300.
Wolfram-like syndrome. Also called: HEARING LOSS, PROGRESSIVE, WITH OPTIC ATROPHY AND/OR IMPAIRED GLUCOSE REGULATION. Identifiers: Orphanet 411590, MedGen C3280358, MONDO:0013673, OMIM 614296.
Type 2 diabetes mellitus. Also called: Type II diabetes mellitus. Identifiers: MedGen C0011860, MeSH D003924, MONDO:0005148, OMIM 125853, HP:0005978.
Inborn genetic diseases. Identifiers: MedGen C0950123, MeSH D030342.

Allele frequency attached by ClinVar (database versions not stated): ESP Exome Variant Server 0.00008; TOPMed 0.00013; gnomAD exomes 0.00006; ExAC 0.00007; gnomAD 0.00019.
gnomAD v4.1: 34 of 1,614,118 alleles (0.0021%); highest among the groups gnomAD compares: African/African-American, 0.021%; no homozygotes.

Submissions (9):

Labcorp Genetics (formerly Invitae), Labcorp
Classification: Uncertain significance. Last evaluated: 2025-12-29. Review status: criteria provided, single submitter. Criteria: Invitae Variant Classification Sherloc (09022015). Collection method: clinical testing. Allele origin: germline.
Comment: This sequence change replaces proline, which is neutral and non-polar, with leucine, which is neutral and non-polar, at codon 607 of the WFS1 protein (p.Pro607Leu). This variant is present in population databases (rs373862003, gnomAD 0.07%). This missense change has been observed in individual(s) with clinical features of non-syndromic hearing loss (PMID: 26969326). ClinVar contains an entry for this variant (Variation ID: 45441). Invitae Evidence Modeling of protein sequence and biophysical properties (such as structural, functional, and spatial information, amino acid conservation, physicochemical variation, residue mobility, and thermodynamic stability) indicates that this missense variant is not expected to disrupt WFS1 protein function with a negative predictive value of 80%. This variant disrupts the p.Pro607 amino acid residue in WFS1. Other variant(s) that disrupt this residue have been determined to be pathogenic (PMID: 12707373). This suggests that this residue is clinically significant, and that variants that disrupt this residue are likely to be disease-causing. In summary, the available evidence is currently insufficient to determine the role of this variant in disease. Therefore, it has been classified as a Variant of Uncertain Significance.

GeneDx
Classification: Likely pathogenic. Last evaluated: 2025-03-14. Review status: criteria provided, single submitter. Criteria: GeneDx Variant Classification Process June 2021. Collection method: clinical testing. Allele origin: germline. Affected: yes.
Comment: Identified in patients with hearing loss or congenital cataracts in published literature; patients were also heterozygous for WFS1 p.(R868H); it is unknown if the two variants are on the same allele (in cis) or on opposite alleles (in trans) (PMID: 36729443, 26969326, 36597107); In silico analysis supports that this missense variant has a deleterious effect on protein structure/function; This variant is associated with the following publications: (PMID: 26435059, 36729443, 36597107, 26969326, 37719678, 12707373)

Women's Health and Genetics/Laboratory Corporation of America, LabCorp
Classification: Uncertain significance. Last evaluated: 2024-09-25. Review status: criteria provided, single submitter. Criteria: LabCorp Variant Classification Summary - May 2015. Collection method: clinical testing. Allele origin: germline.
Comment: Variant summary: WFS1 c.1820C>T (p.Pro607Leu) results in a non-conservative amino acid change in the encoded protein sequence. Five of five in-silico tools predict a damaging effect of the variant on protein function. The variant allele was found at a frequency of 6.4e-05 in 251406 control chromosomes. This frequency is not significantly higher than estimated for a pathogenic variant in WFS1 causing Wolfram Syndrome 1, allowing no conclusion about variant significance. c.1820C>T has been reported in the literature in several individuals undergoing multigene panel testing for hearing loss or inherited eye diseases (congenital cataracts), where it is frequently reported together with c.2603G>A (p.Arg868His), although phase has not been specified (e.g. Sloan-Heggen_2016, Li_2023, Ma_2023). These reports do not provide unequivocal conclusions about association of the variant with Wolfram Syndrome 1. To our knowledge, no experimental evidence demonstrating an impact on protein function has been reported. The following publications have been ascertained in the context of this evaluation (PMID: 36729443, 36597107, 26969326). ClinVar contains an entry for this variant (Variation ID: 45441). Based on the evidence outlined above, the variant was classified as uncertain significance.

Fulgent Genetics
Classification: Likely pathogenic for Cataract 41; Type 2 diabetes mellitus; Wolfram syndrome 1; Autosomal dominant nonsyndromic hearing loss 6; Wolfram-like syndrome. Last evaluated: 2024-06-17. Review status: criteria provided, single submitter. Criteria: ACMG Guidelines, 2015. Collection method: clinical testing. Allele origin: germline.

Blueprint Genetics
Classification: Uncertain significance. Last evaluated: 2022-04-05. Review status: criteria provided, single submitter. Criteria: ACMG Guidelines, 2015. Collection method: clinical testing. Allele origin: germline.

Ambry Genetics
Classification: Uncertain significance for Inborn genetic diseases. Last evaluated: 2021-05-10. Review status: criteria provided, single submitter. Criteria: Ambry Variant Classification Scheme 2023. Collection method: clinical testing. Allele origin: germline.
Comment: Identified in the heterozygous state with a second WFS1 variant in a patient with sporadic non-syndromic hearing loss (Sloan-Heggen, 2016)._x000D_ _x000D_ Unlikely to be causative of autosomal dominant WFS1-related Wolfram syndrome. Based on insufficient or conflicting evidence, the clinical significance of this alteration remains unclear.

Personalized Diabetes Medicine Program, University of Maryland School of Medicine
Classification: Uncertain significance for Monogenic diabetes. Last evaluated: 2018-09-28. Review status: criteria provided, single submitter. Criteria: ACMG Guidelines, 2015. Collection method: research. Allele origin: unknown. Observed: 1 variant allele, 1 heterozygote.
Comment: ACMG criteria: PP3 (0.846 + 9 predictors), PM2_supporting (based on ClinGen HL approved rules 9/28/18, says can use PM2 as supporting if MAF is <0.007% and MAF of c.1820C>T in gnomAD is 0.0069%)= VUS Note: in PMID 26969326, variant ID'd in patient with sporadic NSHL, in trans with other WFS1 variant (c.2603G>A p.R868H; has REVEL score of 0.877/PP3, can use PM2-supporting, also VUS)

Laboratory for Molecular Medicine, Mass General Brigham Personalized Medicine
Classification: Uncertain significance. Last evaluated: 2013-03-09. Review status: criteria provided, single submitter. Criteria: LMM Criteria. Collection method: clinical testing. Allele origin: germline. Observed: 1 variant allele.
Comment: The Pro607Leu variant in WFS1 has not been reported in affected individuals, but has been identified in 1/8600 European American chromosomes from a broad popula tion by the NHLBI Exome Sequencing Project. Although this variant has been seen in the general population, its frequency is not high enough to rule out a pathogenic role. Computational analyses (biochemic al amino acid properties, conservation, AlignGVGD, PolyPhen2, and SIFT) do not p rovide strong support for or against an impact to the protein. In summary, addit ional information is needed to fully assess the clinical significance of the Pro 607Leu variant.

Juno Genomics, Hangzhou Juno Genomics, Inc
Classification: Uncertain significance for Cataract 41; Type 2 diabetes mellitus; Autosomal dominant nonsyndromic hearing loss 6; Wolfram syndrome 1; Wolfram-like syndrome. Review status: criteria provided, single submitter. Criteria: ACMG Guidelines, 2015. Collection method: clinical testing. Allele origin: germline.
Comment: Absent from controls (or at extremely low frequency if recessive) in Genome Aggregation Database.;Multiple lines of computational evidence support a deleterious effect on the gene or gene product.;Novel missense change at an amino acid residue where a different missense change determined to be pathogenic has been seen before.

Literature cited by the submitters: PubMed 26969326 (cited by 4 submitters); PubMed 12707373 (cited by Labcorp Genetics (formerly Invitae), Labcorp); PubMed 36597107 (cited by Women's Health and Genetics/Laboratory Corporation of America, LabCorp); PubMed 36729443 (cited by Women's Health and Genetics/Laboratory Corporation of America, LabCorp).

NM_006005.3(WFS1):c.1820C>T (p.Pro607Leu)

Gene: WFS1 (wolframin ER transmembrane glycoprotein; plus strand). Cytogenetic location: 4p16.1.
Variant type: single nucleotide variant.
Coding change: c.1820C>T on transcript NM_006005.3 (MANE Select); coding-DNA position 1820, C replaced by T.
Protein change: p.Pro607Leu; replaces proline 607 with leucine.
Molecular consequence: missense variant.
Genome position (GRCh38, 1-based): chr4:6,301,615, C>T. VCF-style: chr4-6301615-C-T. GRCh37 (hg19) VCF-style: chr4-6303342-C-T.
Other names: c.1820C>T, p.Pro607Leu (NM_001145853.1); short protein forms P607L.
Identifiers: ClinVar variation 45441 (VCV000045441.38), dbSNP rs373862003, ClinGen allele CA136338.